The following is an entry in ClinVar:

ClinVar aggregate classification (germline): Uncertain significance (1 of 4 stars; one submission).

Conditions:
Fanconi anemia (FA). Also called: Fanconi's anemia. Identifiers: Orphanet 84, MedGen C0015625, MeSH D005199, MONDO:0019391.

gnomAD v4.1: 2 of 1,614,062 alleles (0.00012%); highest among the groups gnomAD compares: African/African-American, 0.0013%; no homozygotes.

Submission:

Labcorp Genetics (formerly Invitae), Labcorp
Classification: Uncertain significance for Fanconi anemia. Last evaluated: 2024-06-13. Review status: criteria provided, single submitter. Criteria: Invitae Variant Classification Sherloc (09022015). Collection method: clinical testing. Allele origin: germline.
Comment: This sequence change replaces glutamine, which is neutral and polar, with arginine, which is basic and polar, at codon 207 of the SLX4 protein (p.Gln207Arg). This variant is not present in population databases (gnomAD no frequency). This variant has not been reported in the literature in individuals affected with SLX4-related conditions. An algorithm developed to predict the effect of missense changes on protein structure and function (PolyPhen-2) suggests that this variant is likely to be tolerated. In summary, the available evidence is currently insufficient to determine the role of this variant in disease. Therefore, it has been classified as a Variant of Uncertain Significance.

NM_032444.4(SLX4):c.620A>G (p.Gln207Arg)

Gene: SLX4 (SLX4 structure-specific endonuclease subunit; minus strand). Cytogenetic location: 16p13.3.
Variant type: single nucleotide variant.
Coding change: c.620A>G on transcript NM_032444.4 (MANE Select); coding-DNA position 620, A replaced by G.
Protein change: p.Gln207Arg; replaces glutamine 207 with arginine.
Molecular consequence: missense variant.
Genome position (GRCh38, 1-based): chr16:3,606,614, T>C on the plus strand (A>G on the coding strand, the complement: SLX4 is on the minus strand). VCF-style: chr16-3606614-T-C. GRCh37 (hg19) VCF-style: chr16-3656615-T-C.
Other names: short protein forms Q207R.
Identifiers: ClinVar variation 3715411 (VCV003715411.2).
Genomic context (GRCh38, chr16:3,606,614, plus strand): 5'-GCGTGTCTCAAACGCTCGGGGTCTGCTCTCTTGAACTGCTGCATTCGCTGTAGGACCAAT[T>C]GTGCTGTGCGGGGTTTGGAGGGACTTGGCACTGCTGTTGTCAAACAGGAAGGAGGAGGCT-3'
Protein context (NP_115820.2, residues 197-217): VPSPSKPRTA[Gln207Arg]LVLQRMQQFK